The following is an entry in ClinVar:

ClinVar aggregate classification (germline): Uncertain significance (1 of 4 stars; one submission).

Submission:

Women's Health and Genetics/Laboratory Corporation of America, LabCorp
Classification: Uncertain significance. Last evaluated: 2024-02-20. Review status: criteria provided, single submitter. Criteria: LabCorp Variant Classification Summary - May 2015. Collection method: clinical testing. Allele origin: germline.
Comment: Variant summary: CDON c.2504C>T (p.Thr835Ile) results in a non-conservative amino acid change located in the Fibronectin type III domain (IPR003961) of the encoded protein sequence. Four of five in-silico tools predict a damaging effect of the variant on protein function. The variant was absent in 251202 control chromosomes. The available data on variant occurrences in the general population are insufficient to allow any conclusion about variant significance. To our knowledge, no occurrence of c.2504C>T in individuals affected with Holoprosencephaly 11 and no experimental evidence demonstrating its impact on protein function have been reported. No submitters have cited clinical-significance assessments for this variant to ClinVar. Based on the evidence outlined above, the variant was classified as uncertain significance.

NM_001378964.1(CDON):c.2504C>T (p.Thr835Ile)

Gene: CDON (cell adhesion associated, oncogene regulated; minus strand). Cytogenetic location: 11q24.2.
Variant type: single nucleotide variant.
Coding change: c.2504C>T on transcript NM_001378964.1 (MANE Select); coding-DNA position 2504, C replaced by T.
Protein change: p.Thr835Ile; replaces threonine 835 with isoleucine.
Molecular consequence: missense variant.
Genome position (GRCh38, 1-based): chr11:125,994,911, G>A on the plus strand (C>T on the coding strand, the complement: CDON is on the minus strand). VCF-style: chr11-125994911-G-A. GRCh37 (hg19) VCF-style: chr11-125864806-G-A.
Other names: c.2504C>T, p.Thr835Ile (NM_001243597.3, NM_016952.6); short protein forms T835I.
Identifiers: ClinVar variation 3069118 (VCV003069118.2), dbSNP rs2497092794, ClinGen allele CA383204299.